The following is an entry in ClinVar:

NM_006755.2(TALDO1):c.637+9C>T

Genes: TALDO1 (transaldolase 1; plus strand), LOC126861110 (CDK7 strongly-dependent group 2 enhancer GRCh37_chr11:762588-763787; plus strand). Cytogenetic location: 11p15.5.
Variant type: single nucleotide variant.
Coding change: c.637+9C>T on transcript NM_006755.2 (MANE Select); 9 bases into the intron after coding-DNA position 637, C replaced by T.
Molecular consequence: intron variant.
Genome position (GRCh38, 1-based): chr11:763,528, C>T. VCF-style: chr11-763528-C-T. GRCh37 (hg19) VCF-style: chr11-763528-C-T.
Other names: c.637+9C>T (NM_006755.1).
Identifiers: ClinVar variation 2183791 (VCV002183791.5), dbSNP rs776197071, ClinGen allele CA5788229.

ClinVar aggregate classification (germline): Likely benign. Review status: criteria provided, multiple submitters, no conflicts (2 of 4 stars). 2 submissions from 2 submitters: Likely benign (2). Last evaluated 2026-01-07.

Conditions:
TALDO1-related disorder. Also called: TALDO1-related condition.

Allele frequency attached by ClinVar (database versions not stated): gnomAD exomes 0.00002; TOPMed 0.00002; gnomAD 0.00003; ExAC 0.00004.
gnomAD v4.1: 42 of 1,613,320 alleles (0.0026%); highest among the groups gnomAD compares: Middle Eastern, 0.016%; 1 homozygote.

Submissions (2):

PreventionGenetics, part of Exact Sciences
Classification: Likely benign for TALDO1-related condition. Last evaluated: 2026-01-07. Review status: criteria provided, single submitter. Criteria: ACMG Guidelines, 2015. Collection method: clinical testing. Allele origin: germline.
Comment: This variant is classified as likely benign based on ACMG/AMP sequence variant interpretation guidelines (Richards et al. 2015 PMID: 25741868, with internal and published modifications).

Labcorp Genetics (formerly Invitae), Labcorp
Classification: Likely benign. Last evaluated: 2025-09-23. Review status: criteria provided, single submitter. Criteria: Invitae Variant Classification Sherloc (09022015). Collection method: clinical testing. Allele origin: germline.